The following is an entry in ClinVar:

NM_001130438.3(SPTAN1):c.1159G>C (p.Asp387His)

Gene: SPTAN1 (spectrin alpha, non-erythrocytic 1; plus strand). Cytogenetic location: 9q34.11.
Variant type: single nucleotide variant.
Coding change: c.1159G>C on transcript NM_001130438.3 (MANE Select); coding-DNA position 1159, G replaced by C.
Protein change: p.Asp387His; replaces aspartic acid 387 with histidine.
Molecular consequence: missense variant.
Genome position (GRCh38, 1-based): chr9:128,578,183, G>C. VCF-style: chr9-128578183-G-C. GRCh37 (hg19) VCF-style: chr9-131340462-G-C.
Other names: p.Asp387His; c.1159G>C, p.Asp387His (NM_001195532.2, NM_001363759.2, NM_001363765.2 and 10 more transcripts); c.1195G>C, p.Asp399His (NM_001375312.2, NM_001375318.1, NM_001438440.1); short protein forms D387H, D399H.
Identifiers: ClinVar variation 4857734 (VCV004857734.1).

ClinVar aggregate classification (germline): Likely pathogenic (1 of 4 stars; one submission).

Conditions:
Developmental delay with or without epilepsy (DEVEP). Identifiers: MedGen C5882702, MONDO:0957815, OMIM 620540.

Submission:

Laboratory of Molecular Genetics, Uzhhorod National University
Classification: Likely pathogenic for Developmental delay with or without epilepsy. Last evaluated: 2026-06-06. Review status: criteria provided, single submitter. Criteria: ACMG Guidelines, 2015. Collection method: research. Allele origin: de novo. Inheritance: Autosomal dominant inheritance. Affected: yes. Observed: 1 variant allele, 1 heterozygote.
Comment: The NM_001130438.3:c.1159G>C (p.Asp387His) variant in SPTAN1 is absent from large population databases, including gnomAD, supporting its rarity (PM2). To date, this specific variant has not been previously reported in the medical literature as causative of disease or observed as a standing variant in the general population. In silico computational evidence supports an inconclusive effect on the gene or gene product. Due to the currently insufficient evidence to definitively determine the pathogenicity or clear clinical segregation of this genetic change, the c.1159G>C (p.Asp387His) SPTAN1 variant meets the criteria to be classified as a likely pathogenic variant (LPV). Clinical correlation and targeted testing of the parents are recommended to evaluate the inheritance status and help interpret the potential clinical relevance of this variant.